The following is an entry in ClinVar:

NM_000051.4(ATM):c.9128A>G (p.Lys3043Arg)

Genes: ATM (ATM serine/threonine kinase; plus strand), C11orf65 (chromosome 11 open reading frame 65; minus strand). Cytogenetic location: 11q22.3.
Variant type: single nucleotide variant.
Coding change: c.9128A>G on transcript NM_000051.4 (MANE Select); coding-DNA position 9128, A replaced by G.
Protein change: p.Lys3043Arg; replaces lysine 3043 with arginine.
Molecular consequence: missense variant. On other transcripts: intron variant (2).
Genome position (GRCh38, 1-based): chr11:108,365,465, A>G. VCF-style: chr11-108365465-A-G. GRCh37 (hg19) VCF-style: chr11-108236192-A-G.
Other names: c.9128A>G, p.Lys3043Arg (NM_001351834.2); c.640+20455T>C (NM_001330368.2); c.694+20455T>C (NM_001351110.2); short protein forms K3043R.
Identifiers: ClinVar variation 246403 (VCV000246403.37), dbSNP rs867893961, ClinGen allele CA10584382.

ClinVar aggregate classification (germline): Uncertain significance. Review status: criteria provided, multiple submitters, no conflicts (2 of 4 stars). 7 submissions from 7 submitters: Uncertain significance (6). 1 of the submissions does not count toward it. Last evaluated 2025-11-25.

Conditions:
Hereditary cancer-predisposing syndrome. Also called: Neoplastic Syndromes, Hereditary; Hereditary neoplastic syndrome; Tumor predisposition; Hereditary Cancer Syndrome. Identifiers: Orphanet 140162, MedGen C0027672, MeSH D009386, MONDO:0015356.
Breast and/or ovarian cancer. Identifiers: MedGen CN221562.
Ataxia-telangiectasia syndrome (AT). Also called: Ataxia telangiectasia (A-T); Cerebello-oculocutaneous telangiectasia; Immunodeficiency with ataxia telangiectasia; LOUIS-BAR SYNDROME; AT, COMPLEMENTATION GROUP C; ATAXIA-TELANGIECTASIA, FRESNO VARIANT. Identifiers: Orphanet 100, MedGen C0004135, MONDO:0008840, OMIM 208900.
Familial cancer of breast. Also called: hereditary breast carcinoma; Hereditary breast cancer; BREAST CANCER, FAMILIAL. Identifiers: Orphanet 227535, MedGen C0346153, MONDO:0016419, OMIM 114480. Disease mechanism: loss of function.

Allele frequency attached by ClinVar (database versions not stated): gnomAD 0.00001; TOPMed below 0.00001.
gnomAD v4.1: 4 of 1,614,074 alleles (0.00025%); highest among the groups gnomAD compares: Non-Finnish European, 0.00034%; no homozygotes.

Submissions (7):

Labcorp Genetics (formerly Invitae), Labcorp
Classification: Uncertain significance for Ataxia-telangiectasia syndrome. Last evaluated: 2025-11-25. Review status: criteria provided, single submitter. Criteria: Invitae Variant Classification Sherloc (09022015). Collection method: clinical testing. Allele origin: germline.
Comment: This sequence change replaces lysine, which is basic and polar, with arginine, which is basic and polar, at codon 3043 of the ATM protein (p.Lys3043Arg). This variant is not present in population databases (gnomAD no frequency). This missense change has been observed in individual(s) with biliary tract cancer (PMID: 36243179). ClinVar contains an entry for this variant (Variation ID: 246403). Invitae Evidence Modeling of protein sequence and biophysical properties (such as structural, functional, and spatial information, amino acid conservation, physicochemical variation, residue mobility, and thermodynamic stability) indicates that this missense variant is not expected to disrupt ATM protein function with a negative predictive value of 95%. In summary, the available evidence is currently insufficient to determine the role of this variant in disease. Therefore, it has been classified as a Variant of Uncertain Significance.

Ambry Genetics
Classification: Uncertain significance for Hereditary cancer-predisposing syndrome. Last evaluated: 2024-11-29. Review status: criteria provided, single submitter. Criteria: Ambry Variant Classification Scheme 2023. Collection method: clinical testing. Allele origin: germline.
Comment: The p.K3043R variant (also known as c.9128A>G), located in coding exon 62 of the ATM gene, results from an A to G substitution at nucleotide position 9128. The lysine at codon 3043 is replaced by arginine, an amino acid with highly similar properties. This variant was observed in an individual with early onset-breast cancer amongst a cohort of 1781 non-Ashkenazi Jewish individuals undergoing BRCA1/2 gene testing based on a personal history of breast cancer (Tung N et al. Cancer, 2015 Jan;121:25-33). This amino acid position is well conserved in available vertebrate species. In addition, this alteration is predicted to be tolerated by in silico analysis. Based on the available evidence, the clinical significance of this variant remains unclear.

Color Diagnostics, LLC DBA Color Health
Classification: Uncertain significance for Hereditary cancer-predisposing syndrome. Last evaluated: 2023-01-09. Review status: criteria provided, single submitter. Criteria: ACMG Guidelines, 2015. Collection method: clinical testing. Allele origin: germline.
Comment: This missense variant replaces lysine with arginine at codon 3043 of the ATM protein. Computational prediction suggests that this variant may not impact protein structure and function (internally defined REVEL score threshold <= 0.5, PMID: 27666373). To our knowledge, functional studies have not been reported for this variant. This variant has not been reported in individuals affected with hereditary cancer in the literature. This variant has not been identified in the general population by the Genome Aggregation Database (gnomAD). The available evidence is insufficient to determine the role of this variant in disease conclusively. Therefore, this variant is classified as a Variant of Uncertain Significance.

GeneDx
Classification: Uncertain significance. Last evaluated: 2022-03-04. Review status: criteria provided, single submitter. Criteria: GeneDx Variant Classification Process June 2021. Collection method: clinical testing. Allele origin: germline. Affected: yes.
Comment: Not observed in large population cohorts (gnomAD); In silico analysis, which includes protein predictors and evolutionary conservation, supports that this variant does not alter protein structure/function; Has not been previously published as pathogenic or benign to our knowledge; This variant is associated with the following publications: (PMID: 23532176)

Department of Pathology and Laboratory Medicine, Sinai Health System
Classification: Uncertain significance for Familial cancer of breast. Last evaluated: 2020-11-30. Review status: criteria provided, single submitter. Criteria: ACMG Guidelines, 2015. Collection method: clinical testing. Allele origin: germline. Affected: yes.

CHEO Genetics Diagnostic Laboratory, Children's Hospital of Eastern Ontario
Classification: Uncertain significance for Breast and/or ovarian cancer. Last evaluated: 2019-07-17. Review status: criteria provided, single submitter. Criteria: ACMG Guidelines, 2015. Collection method: clinical testing. Allele origin: germline.

Natera, Inc.
Classification: Uncertain significance for Ataxia-telangiectasia. Last evaluated: 2020-09-29. Review status: no assertion criteria provided. Collection method: clinical testing. Allele origin: germline. Not counted in ClinVar's aggregate classification.

Literature cited by the submitters: PubMed 36243179 (cited by Labcorp Genetics (formerly Invitae), Labcorp); PubMed 25186627 (cited by Ambry Genetics).